The following is an entry in ClinVar:

NM_015693.4(INTU):c.1194T>C (p.Pro398=)

Gene: INTU (inturned planar cell polarity protein; plus strand). Cytogenetic location: 4q28.1.
Variant type: single nucleotide variant.
Coding change: c.1194T>C on transcript NM_015693.4 (MANE Select); coding-DNA position 1194, T replaced by C.
Protein change: p.Pro398=; no amino-acid change (proline 398 retained).
Molecular consequence: synonymous variant.
Genome position (GRCh38, 1-based): chr4:127,684,421, T>C. VCF-style: chr4-127684421-T-C. GRCh37 (hg19) VCF-style: chr4-128605576-T-C.
Identifiers: ClinVar variation 4980884 (VCV004980884.1).

ClinVar aggregate classification (germline): Likely benign (1 of 4 stars; one submission).

Conditions:
INTU-related disorder. Also called: INTU-related condition.

Submission:

PreventionGenetics, part of Exact Sciences
Classification: Likely benign for INTU-related condition. Last evaluated: 2026-03-18. Review status: criteria provided, single submitter. Criteria: ACMG Guidelines, 2015. Collection method: clinical testing. Allele origin: germline.
Comment: This variant is classified as likely benign based on ACMG/AMP sequence variant interpretation guidelines (Richards et al. 2015 PMID: 25741868, with internal and published modifications).